The following is an entry in ClinVar:

NM_001605.3(AARS1):c.1297G>A (p.Gly433Ser)

Gene: AARS1 (alanyl-tRNA synthetase 1; minus strand). Cytogenetic location: 16q22.1.
Variant type: single nucleotide variant.
Coding change: c.1297G>A on transcript NM_001605.3 (MANE Select); coding-DNA position 1297, G replaced by A.
Protein change: p.Gly433Ser; replaces glycine 433 with serine.
Molecular consequence: missense variant.
Genome position (GRCh38, 1-based): chr16:70,265,588, C>T on the plus strand (G>A on the coding strand, the complement: AARS1 is on the minus strand). VCF-style: chr16-70265588-C-T. GRCh37 (hg19) VCF-style: chr16-70299491-C-T.
Other names: short protein forms G433S.
Identifiers: ClinVar variation 2102863 (VCV002102863.4), dbSNP rs2507009575, ClinGen allele CA396562005.

ClinVar aggregate classification (germline): Uncertain significance (1 of 4 stars; one submission).

Conditions:
Charcot-Marie-Tooth disease type 2. Also called: Charcot-Marie-Tooth type 2. Identifiers: Orphanet 64746, MedGen C0270914, MONDO:0018993.

Submission:

Labcorp Genetics (formerly Invitae), Labcorp
Classification: Uncertain significance for Charcot-Marie-Tooth disease type 2. Last evaluated: 2022-10-09. Review status: criteria provided, single submitter. Criteria: Invitae Variant Classification Sherloc (09022015). Collection method: clinical testing. Allele origin: germline.
Comment: In summary, the available evidence is currently insufficient to determine the role of this variant in disease. Therefore, it has been classified as a Variant of Uncertain Significance. This sequence change replaces glycine, which is neutral and non-polar, with serine, which is neutral and polar, at codon 433 of the AARS protein (p.Gly433Ser). This variant is not present in population databases (gnomAD no frequency). This variant has not been reported in the literature in individuals affected with AARS-related conditions. Advanced modeling of protein sequence and biophysical properties (such as structural, functional, and spatial information, amino acid conservation, physicochemical variation, residue mobility, and thermodynamic stability) performed at Invitae indicates that this missense variant is not expected to disrupt AARS protein function.